The following is an entry in ClinVar:

ClinVar aggregate classification (germline): Likely pathogenic. Review status: criteria provided, multiple submitters, no conflicts (2 of 4 stars). 2 submissions from 2 submitters: Likely pathogenic (2). Last evaluated 2023-09-08.

Conditions:
Familial infantile myasthenia (CMS6). Also called: MYASTHENIC SYNDROME, PRESYNAPTIC, CONGENITAL, ASSOCIATED WITH EPISODIC APNEA; Congenital myasthenic syndrome type 6; MYASTHENIC SYNDROME, CONGENITAL, 6, PRESYNAPTIC. Identifiers: Orphanet 590, MedGen C0393929, MONDO:0009689, OMIM 254210.

Submissions (2):

Labcorp Genetics (formerly Invitae), Labcorp
Classification: Likely pathogenic for Familial infantile myasthenia. Last evaluated: 2023-09-08. Review status: criteria provided, single submitter. Criteria: Invitae Variant Classification Sherloc (09022015). Collection method: clinical testing. Allele origin: germline.
Comment: Algorithms developed to predict the effect of sequence changes on RNA splicing suggest that this variant may disrupt the consensus splice site. In summary, the currently available evidence indicates that the variant is pathogenic, but additional data are needed to prove that conclusively. Therefore, this variant has been classified as Likely Pathogenic. This variant has not been reported in the literature in individuals affected with CHAT-related conditions. This variant is not present in population databases (gnomAD no frequency). This sequence change affects a donor splice site in intron 4 of the CHAT gene. It is expected to disrupt RNA splicing. Variants that disrupt the donor or acceptor splice site typically lead to a loss of protein function (PMID: 16199547), and loss-of-function variants in CHAT are known to be pathogenic (PMID: 12548525, 21786365, 23292760).

Baylor Genetics
Classification: Likely pathogenic for Familial infantile myasthenia. Last evaluated: 2022-11-19. Review status: criteria provided, single submitter. Criteria: ACMG Guidelines, 2015. Collection method: clinical testing. Allele origin: unknown.

Literature cited by the submitters: PubMed 16199547 (cited by Labcorp Genetics (formerly Invitae), Labcorp); PubMed 12548525 (cited by Labcorp Genetics (formerly Invitae), Labcorp); PubMed 21786365 (cited by Labcorp Genetics (formerly Invitae), Labcorp); PubMed 23292760 (cited by Labcorp Genetics (formerly Invitae), Labcorp).

NM_020549.5(CHAT):c.698+1G>T

Gene: CHAT (choline O-acetyltransferase; plus strand). Cytogenetic location: 10q11.23.
Variant type: single nucleotide variant.
Coding change: c.698+1G>T on transcript NM_020549.5 (MANE Select); the canonical splice donor site of the intron after coding-DNA position 698, G replaced by T.
Molecular consequence: splice donor variant.
Genome position (GRCh38, 1-based): chr10:49,620,614, G>T. VCF-style: chr10-49620614-G-T. GRCh37 (hg19) VCF-style: chr10-50828660-G-T.
Other names: c.344+1G>T (NM_020984.4, NM_020985.4, NM_020986.4 and 2 more transcripts); c.452+1G>T (NM_001142933.2).
Identifiers: ClinVar variation 2680742 (VCV002680742.4), dbSNP rs148434254, ClinGen allele CA376727843.